The following is an entry in ClinVar:

ClinVar aggregate classification (germline): Uncertain significance (1 of 4 stars; one submission).

Submission:

Labcorp Genetics (formerly Invitae), Labcorp
Classification: Uncertain significance. Last evaluated: 2024-02-20. Review status: criteria provided, single submitter. Criteria: Invitae Variant Classification Sherloc (09022015). Collection method: clinical testing. Allele origin: germline.
Comment: This sequence change replaces methionine, which is neutral and non-polar, with lysine, which is basic and polar, at codon 205 of the OTULIN protein (p.Met205Lys). This variant is not present in population databases (gnomAD no frequency). This variant has not been reported in the literature in individuals affected with OTULIN-related conditions. ClinVar contains an entry for this variant (Variation ID: 1431288). Advanced modeling of protein sequence and biophysical properties (such as structural, functional, and spatial information, amino acid conservation, physicochemical variation, residue mobility, and thermodynamic stability) performed at Invitae indicates that this missense variant is not expected to disrupt OTULIN protein function with a negative predictive value of 80%. In summary, the available evidence is currently insufficient to determine the role of this variant in disease. Therefore, it has been classified as a Variant of Uncertain Significance.

NM_138348.6(OTULIN):c.614T>A (p.Met205Lys)

Gene: OTULIN (OTU deubiquitinase with linear linkage specificity; plus strand). Cytogenetic location: 5p15.2.
Variant type: single nucleotide variant.
Coding change: c.614T>A on transcript NM_138348.6 (MANE Select); coding-DNA position 614, T replaced by A.
Protein change: p.Met205Lys; replaces methionine 205 with lysine.
Molecular consequence: missense variant.
Genome position (GRCh38, 1-based): chr5:14,690,058, T>A. VCF-style: chr5-14690058-T-A. GRCh37 (hg19) VCF-style: chr5-14690167-T-A.
Other names: short protein forms M205K.
Identifiers: ClinVar variation 1431288 (VCV001431288.8), dbSNP rs2126333631, ClinGen allele CA359243472.